The following is an entry in ClinVar:

NM_002074.5(GNB1):c.766C>T (p.Arg256Cys)

Gene: GNB1 (G protein subunit beta 1; minus strand). Cytogenetic location: 1p36.33.
Variant type: single nucleotide variant.
Coding change: c.766C>T on transcript NM_002074.5 (MANE Select); coding-DNA position 766, C replaced by T.
Protein change: p.Arg256Cys; replaces arginine 256 with cysteine.
Molecular consequence: missense variant.
Genome position (GRCh38, 1-based): chr1:1,789,203, G>A on the plus strand (C>T on the coding strand, the complement: GNB1 is on the minus strand). VCF-style: chr1-1789203-G-A. GRCh37 (hg19) VCF-style: chr1-1720642-G-A.
Other names: c.466C>T, p.Arg156Cys (NM_001282538.2); c.766C>T, p.Arg256Cys (NM_001282539.2); short protein forms R256C, R156C.
Identifiers: ClinVar variation 3686852 (VCV003686852.2).

ClinVar aggregate classification (germline): Uncertain significance. Review status: criteria provided, multiple submitters, no conflicts (2 of 4 stars). 2 submissions from 2 submitters: Uncertain significance (2). Last evaluated 2024-11-04.

Conditions:
Intellectual developmental disorder, autosomal dominant 42. Also called: Intellectual disability, autosomal dominant 42; Global developmental delay-neuro-ophthalmological abnormalities-seizures-intellectual disability syndrome; GNB1 Encephalopathy. Identifiers: Orphanet 488613, MedGen C4310774, MONDO:0014855, OMIM 616973.

gnomAD v4.1: 1 of 1,613,490 alleles (0.000062%); highest among the groups gnomAD compares: African/African-American, 0.0013%; no homozygotes.

Submissions (2):

Labcorp Genetics (formerly Invitae), Labcorp
Classification: Uncertain significance. Last evaluated: 2024-11-04. Review status: criteria provided, single submitter. Criteria: Invitae Variant Classification Sherloc (09022015). Collection method: clinical testing. Allele origin: germline.
Comment: This sequence change replaces arginine, which is basic and polar, with cysteine, which is neutral and slightly polar, at codon 256 of the GNB1 protein (p.Arg256Cys). This variant is not present in population databases (gnomAD no frequency). This variant has not been reported in the literature in individuals affected with GNB1-related conditions. Invitae Evidence Modeling of protein sequence and biophysical properties (such as structural, functional, and spatial information, amino acid conservation, physicochemical variation, residue mobility, and thermodynamic stability) indicates that this missense variant is expected to disrupt GNB1 protein function with a positive predictive value of 80%. In summary, the available evidence is currently insufficient to determine the role of this variant in disease. Therefore, it has been classified as a Variant of Uncertain Significance.

Neuberg Centre For Genomic Medicine, NCGM
Classification: Uncertain significance for Intellectual developmental disorder, autosomal dominant 42. Last evaluated: 2023-06-22. Review status: criteria provided, single submitter. Criteria: ACMG Guidelines, 2015. Collection method: clinical testing. Allele origin: germline. Inheritance: Autosomal dominant inheritance. Affected: yes.
Comment: The missense variant in c.766C>T (p.Arg256Cys) in GNB1 gene has not been reported previously as a pathogenic variant nor as a benign variant, to our knowledge. The p.Arg256Cys variant is absent in gnomAD exomes database. This variant has not been submitted to the ClinVar database. Multiple lines of computational evidence (Polyphen - probably damaging, SIFT - damaging and MutationTaster - disease causing) predict a damaging effect on protein structure and function for this variant. The reference amino acid at this position on GNB1 gene is predicted as conserved by GERP++ and PhyloP across 100 vertebrates. The amino acid Arg at position 256 is changed to a Cys changing protein sequence and it might alter its composition and physico-chemical properties. For these reasons, this variant has been classified as Uncertain Significance (VUS).